The following is an entry in ClinVar:

NM_003970.4(MYOM2):c.2319C>T (p.Asp773=)

Gene: MYOM2 (myomesin 2; plus strand). Cytogenetic location: 8p23.3.
Variant type: single nucleotide variant.
Coding change: c.2319C>T on transcript NM_003970.4 (MANE Select); coding-DNA position 2319, C replaced by T.
Protein change: p.Asp773=; no amino-acid change (aspartic acid 773 retained).
Molecular consequence: synonymous variant.
Genome position (GRCh38, 1-based): chr8:2,098,862, C>T. VCF-style: chr8-2098862-C-T. GRCh37 (hg19) VCF-style: chr8-2046692-C-T.
Identifiers: ClinVar variation 3052995 (VCV003052995.2), dbSNP rs181752146, ClinGen allele CA170457723.

ClinVar aggregate classification (germline): Benign (0 of 4 stars; one submission).

Conditions:
MYOM2-related disorder. Also called: MYOM2-related condition.

Allele frequency attached by ClinVar (database versions not stated): gnomAD exomes 0.00032; gnomAD 0.00057; TOPMed 0.00062; ExAC 0.00134; 1000 Genomes Project 30x 0.00359; 1000 Genomes Project 0.00379.
gnomAD v4.1: 591 of 1,610,988 alleles (0.037%); highest among the groups gnomAD compares: East Asian, 1.1%; 5 homozygotes.

Submission:

PreventionGenetics, part of Exact Sciences
Classification: Benign for MYOM2-related condition. Last evaluated: 2019-08-26. Review status: no assertion criteria provided. Collection method: clinical testing. Allele origin: germline.
Comment: This variant is classified as benign based on ACMG/AMP sequence variant interpretation guidelines (Richards et al. 2015 PMID: 25741868, with internal and published modifications).